The following is an entry in ClinVar:

NM_001367873.1(SOX6):c.535G>A (p.Gly179Ser)

Gene: SOX6 (SRY-box transcription factor 6; minus strand). Cytogenetic location: 11p15.2.
Variant type: single nucleotide variant.
Coding change: c.535G>A on transcript NM_001367873.1 (MANE Select); coding-DNA position 535, G replaced by A.
Protein change: p.Gly179Ser; replaces glycine 179 with serine.
Molecular consequence: missense variant.
Genome position (GRCh38, 1-based): chr11:16,234,582, C>T on the plus strand (G>A on the coding strand, the complement: SOX6 is on the minus strand). VCF-style: chr11-16234582-C-T. GRCh37 (hg19) VCF-style: chr11-16256128-C-T.
Other names: c.535G>A, p.Gly179Ser (NM_001145811.2, NM_001145819.2, NM_001367872.1 and 2 more transcripts); short protein forms G179S.
Identifiers: ClinVar variation 2429033 (VCV002429033.4), dbSNP rs2493954647, ClinGen allele CA379877275.
Genomic context (GRCh38, chr11:16,234,582, plus strand): 5'-TGTTATACAAAATAACATCACATCACTGCATTGACATGTTCGATATATTTTATGTTGTAC[C>T]TTTAATTTCTCCAAGAAGTTCACTGGTATTTAGTCTTTCCATTTTTTCCTTCCAATCTTT-3'
Protein context (NP_001354802.1, residues 169-189): NTSELLGEIK[Gly179Ser]TPESLAEKER

ClinVar aggregate classification (germline): Likely pathogenic (1 of 4 stars; one submission).

Conditions:
Tolchin-Le Caignec syndrome. Also called: INTELLECTUAL DEVELOPMENTAL DISORDER WITH BEHAVIORAL ABNORMALITIES AND VARIABLE BONE DEFECTS. Identifiers: MedGen C5436509, MONDO:0033544, OMIM 618971.

Submission:

Greenwood Genetic Center Diagnostic Laboratories, Greenwood Genetic Center
Classification: Likely pathogenic for Tolchin-Le Caignec syndrome. Last evaluated: 2022-12-15. Review status: criteria provided, single submitter. Criteria: ACMG Guidelines, 2015. Collection method: clinical testing. Allele origin: germline. Affected: yes.
Comment: PS2, PM2, PP3